The following is an entry in ClinVar:

NM_015015.3(KDM4B):c.1275_1280del (p.Gln426_Pro427del)

Gene: KDM4B (lysine demethylase 4B; plus strand). Cytogenetic location: 19p13.3.
Variant type: Deletion.
Coding change: c.1275_1280del on transcript NM_015015.3 (MANE Select); coding-DNA positions 1275 to 1280, 6 bases deleted (GCAGCC; older notation c.1275_1280delGCAGCC).
Protein change: p.Gln426_Pro427del.
Genome position (GRCh38, 1-based): chr19:5,119,812-5,119,817, GCAGCC deleted; deleting any 6 consecutive bases within chr19:5,119,808-5,119,817 gives the same sequence; the c. name uses the placement nearest the transcript's 3' end. VCF-style (leftmost placement, unchanged base first): chr19-5119807-GAGCCGC-G. GRCh37 (hg19) VCF-style: chr19-5119818-GAGCCGC-G.
Other names: c.1377_1382del, p.Gln460_Pro461del (NM_001411148.1).
Identifiers: ClinVar variation 3371236 (VCV003371236.1).
Genomic context (GRCh38, chr19:5,119,807, plus strand): 5'-GCTGGGGGCAGCGTGAAGGAGGAGGCTGGGCCGGAGGTTGACCCCGAGGAGGAGGAGGAG[GAGCCGC>G]AGCCACTGCCACACGGCCGGGAGGCCGAGGGCGCAGAAGGTCAGTCCCTGCCGGGCCAGG-3'

ClinVar aggregate classification (germline): Uncertain significance (1 of 4 stars; one submission).

Submission:

GeneDx
Classification: Uncertain significance. Last evaluated: 2024-03-22. Review status: criteria provided, single submitter. Criteria: GeneDx Variant Classification Process June 2021. Collection method: clinical testing. Allele origin: germline. Affected: yes.
Comment: Not observed at significant frequency in large population cohorts (gnomAD); In-frame deletion of 2 amino acids in a non-repeat region; In silico analysis supports that this variant does not alter protein structure/function; Has not been previously published as pathogenic or benign to our knowledge